The following is an entry in ClinVar:

NM_032603.5(LOXL3):c.1606G>C (p.Ala536Pro)

Gene: LOXL3 (lysyl oxidase like 3; minus strand). Cytogenetic location: 2p13.1.
Variant type: single nucleotide variant.
Coding change: c.1606G>C on transcript NM_032603.5 (MANE Select); coding-DNA position 1606, G replaced by C.
Protein change: p.Ala536Pro; replaces alanine 536 with proline.
Molecular consequence: missense variant.
Genome position (GRCh38, 1-based): chr2:74,534,748, C>G on the plus strand (G>C on the coding strand, the complement: LOXL3 is on the minus strand). VCF-style: chr2-74534748-C-G. GRCh37 (hg19) VCF-style: chr2-74761875-C-G.
Other names: c.1171G>C, p.Ala391Pro (NM_001289164.3); c.523G>C, p.Ala175Pro (NM_001289165.2); c.1606G>C (NM_032603.2); short protein forms A536P, A175P, A391P.
Identifiers: ClinVar variation 1490252 (VCV001490252.9), dbSNP rs774864986, ClinGen allele CA1728832.

ClinVar aggregate classification (germline): Uncertain significance. Review status: criteria provided, multiple submitters, no conflicts (2 of 4 stars). 2 submissions from 2 submitters: Uncertain significance (2). Last evaluated 2024-10-09.

Allele frequency attached by ClinVar (database versions not stated): gnomAD exomes 0.00001 and 0.00002; ExAC 0.00002; gnomAD 0.00004 and 0.00005; TOPMed 0.00006.
gnomAD v4.1: 12 of 1,613,778 alleles (0.00074%); highest among the groups gnomAD compares: Admixed American, 0.015%; no homozygotes.

Submissions (2):

Ambry Genetics
Classification: Uncertain significance. Last evaluated: 2024-10-09. Review status: criteria provided, single submitter. Criteria: Ambry Variant Classification Scheme 2023. Collection method: clinical testing. Allele origin: germline.

Labcorp Genetics (formerly Invitae), Labcorp
Classification: Uncertain significance. Last evaluated: 2021-06-04. Review status: criteria provided, single submitter. Criteria: Invitae Variant Classification Sherloc (09022015). Collection method: clinical testing. Allele origin: germline.
Comment: This sequence change replaces alanine with proline at codon 536 of the LOXL3 protein (p.Ala536Pro). The alanine residue is moderately conserved and there is a small physicochemical difference between alanine and proline. This variant is present in population databases (rs774864986, ExAC 0.02%). This variant has not been reported in the literature in individuals with LOXL3-related conditions. Algorithms developed to predict the effect of missense changes on protein structure and function (SIFT, PolyPhen-2, Align-GVGD) all suggest that this variant is likely to be tolerated, but these predictions have not been confirmed by published functional studies and their clinical significance is uncertain. In summary, the available evidence is currently insufficient to determine the role of this variant in disease. Therefore, it has been classified as a Variant of Uncertain Significance.